The following is an entry in ClinVar:

NM_000719.7(CACNA1C):c.4970C>A (p.Thr1657Lys)

Genes: CACNA1C (calcium voltage-gated channel subunit alpha1 C; plus strand), CACNA1C-AS1 (CACNA1C antisense RNA 1; minus strand). Cytogenetic location: 12p13.33.
Variant type: single nucleotide variant.
Coding change: c.4970C>A on transcript NM_000719.7 (MANE Select); coding-DNA position 4970, C replaced by A.
Protein change: p.Thr1657Lys; replaces threonine 1657 with lysine.
Molecular consequence: missense variant. On other transcripts: non-coding transcript variant (1).
Genome position (GRCh38, 1-based): chr12:2,677,746, C>A. VCF-style: chr12-2677746-C-A. GRCh37 (hg19) VCF-style: chr12-2786912-C-A.
Other names: c.5114C>A, p.Thr1705Lys (NM_001129827.2, NM_199460.4); c.5093C>A, p.Thr1698Lys (NM_001129829.2); c.4970C>A, p.Thr1657Lys (NM_001129830.3, NM_001129840.2, NM_001129841.2 and 4 more transcripts); c.5054C>A, p.Thr1685Lys (NM_001129831.2); c.5030C>A, p.Thr1677Lys (NM_001129832.2); c.5027C>A, p.Thr1676Lys (NM_001129833.2, NM_001129834.2, NM_001129835.2); c.5021C>A, p.Thr1674Lys (NM_001129836.2); c.4994C>A, p.Thr1665Lys (NM_001129837.2, NM_001129838.2); and 3 more; short protein forms T1674K, T1685K, T1698K, T1654K, T1657K, T1663K, T1676K, T1677K.
Identifiers: ClinVar variation 1426131 (VCV001426131.7), dbSNP rs2153791120, ClinGen allele CA383378208.

ClinVar aggregate classification (germline): Uncertain significance (1 of 4 stars; one submission).

Conditions:
Long QT syndrome (LQTS). Identifiers: MedGen C0023976, MeSH D008133, MONDO:0002442. Disease mechanism: loss of function. Inheritance: Various modes of inheritance.

Submission:

Labcorp Genetics (formerly Invitae), Labcorp
Classification: Uncertain significance for Long QT syndrome. Last evaluated: 2025-10-19. Review status: criteria provided, single submitter. Criteria: Invitae Variant Classification Sherloc (09022015). Collection method: clinical testing. Allele origin: germline.
Comment: This sequence change replaces threonine, which is neutral and polar, with lysine, which is basic and polar, at codon 1657 of the CACNA1C protein (p.Thr1657Lys). This variant is not present in population databases (gnomAD no frequency). This variant has not been reported in the literature in individuals affected with CACNA1C-related conditions. ClinVar contains an entry for this variant (Variation ID: 1426131). Invitae Evidence Modeling of protein sequence and biophysical properties (such as structural, functional, and spatial information, amino acid conservation, physicochemical variation, residue mobility, and thermodynamic stability) has been performed for this missense variant. However, the output from this modeling did not meet the statistical confidence thresholds required to predict the impact of this variant on CACNA1C protein function. In summary, the available evidence is currently insufficient to determine the role of this variant in disease. Therefore, it has been classified as a Variant of Uncertain Significance.